The following is an entry in ClinVar:

NM_001035.3(RYR2):c.1291A>G (p.Arg431Gly)

Gene: RYR2 (ryanodine receptor 2; plus strand). Cytogenetic location: 1q43.
Variant type: single nucleotide variant.
Coding change: c.1291A>G on transcript NM_001035.3 (MANE Select); coding-DNA position 1291, A replaced by G.
Protein change: p.Arg431Gly; replaces arginine 431 with glycine.
Molecular consequence: missense variant.
Genome position (GRCh38, 1-based): chr1:237,445,521, A>G. VCF-style: chr1-237445521-A-G. GRCh37 (hg19) VCF-style: chr1-237608821-A-G.
Other names: short protein forms R431G.
Identifiers: ClinVar variation 3075254 (VCV003075254.1), dbSNP rs2528381643, ClinGen allele CA345377925.

ClinVar aggregate classification (germline): Uncertain significance (1 of 4 stars; one submission).

Conditions:
Catecholaminergic polymorphic ventricular tachycardia (CVPT). Also called: Catecholamine-induced polymorphic ventricular tachycardia. Identifiers: Orphanet 3286, MedGen C5574922, MONDO:0017990.

Submission:

All of Us Research Program, National Institutes of Health
Classification: Uncertain significance for Catecholaminergic polymorphic ventricular tachycardia. Last evaluated: 2024-01-03. Review status: criteria provided, single submitter. Criteria: ACMG Guidelines, 2015. Collection method: clinical testing. Allele origin: germline. Inheritance: Autosomal dominant inheritance. Observed: 1 variant allele, 1 heterozygote.
Comment: This missense variant replaces arginine with glycine at codon 431 of the RYR2 protein. Computational prediction is inconclusive regarding the impact of this variant on protein structure and function (internally defined REVEL score threshold 0.5 < inconclusive < 0.7, PMID: 27666373). To our knowledge, functional studies have not been reported for this variant. This variant has not been reported in individuals affected with RYR2-related disorders in the literature. This variant has not been identified in the general population by the Genome Aggregation Database (gnomAD). The available evidence is insufficient to determine the role of this variant in disease conclusively. Therefore, this variant is classified as a Variant of Uncertain Significance.

This study involves interpretation of variants in research participants for the purpose of population health screening. Participant phenotype was not available at the time of variant classification. Additional details can be found in publication PMID: 35346344, PMCID: PMC8962531